The following is an entry in ClinVar:

NM_001099287.2(NIPAL4):c.1116T>C (p.Val372=)

Gene: NIPAL4 (NIPA like domain containing 4; plus strand). Cytogenetic location: 5q33.3.
Variant type: single nucleotide variant.
Coding change: c.1116T>C on transcript NM_001099287.2 (MANE Select); coding-DNA position 1116, T replaced by C.
Protein change: p.Val372=; no amino-acid change (valine 372 retained).
Molecular consequence: synonymous variant.
Genome position (GRCh38, 1-based): chr5:157,472,861, T>C. VCF-style: chr5-157472861-T-C. GRCh37 (hg19) VCF-style: chr5-156899869-T-C.
Other names: c.1059T>C, p.Val353= (NM_001172292.2).
Identifiers: ClinVar variation 257434 (VCV000257434.21), dbSNP rs4704870, ClinGen allele CA3534795.
Genomic context (GRCh38, chr5:157,472,861, plus strand): 5'-CGCCAGCTTGCCCCACATGCACAAAAACCCACCCCCTTCTCCCGCCCCGGAACCCACTGT[T>C]ATTAGACTGGAAGACAAGAACGTCCTTGTGGACAATATAGAACTTGCCAGCACCTCATCA-3'
Protein context (NP_001092757.2, residues 362-382): PPPSPAPEPT[Val372=]IRLEDKNVLV

ClinVar aggregate classification (germline): Benign. Review status: criteria provided, multiple submitters, no conflicts (2 of 4 stars). 7 submissions from 7 submitters: Benign (5). 2 of the submissions do not count toward it. Last evaluated 2026-02-04.

Conditions:
Autosomal recessive congenital ichthyosis 6 (ARCI6). Identifiers: Orphanet 313, Orphanet 79394, MedGen C2677065, MONDO:0012847, OMIM 612281.

Allele frequency attached by ClinVar (database versions not stated): ESP Exome Variant Server 0.97228; gnomAD 0.97772 and 0.97816; ExAC 0.97671; 1000 Genomes Project 30x 0.98673; 1000 Genomes Project 0.98682; gnomAD exomes 0.97803 and 0.96567; TOPMed 0.97885.
gnomAD v4.1: 1,521,760 of 1,573,488 alleles (97%); highest among the groups gnomAD compares: East Asian, 100%; 736,012 homozygotes.

Submissions (7):

Labcorp Genetics (formerly Invitae), Labcorp
Classification: Benign. Last evaluated: 2026-02-04. Review status: criteria provided, single submitter. Criteria: Invitae Variant Classification Sherloc (09022015). Collection method: clinical testing. Allele origin: germline.

Genome-Nilou Lab
Classification: Benign for Autosomal recessive congenital ichthyosis 6. Last evaluated: 2021-09-05. Review status: criteria provided, single submitter. Criteria: ACMG Guidelines, 2015. Collection method: clinical testing. Allele origin: germline. Affected: no.

Illumina Laboratory Services, Illumina
Classification: Benign for Autosomal recessive congenital ichthyosis 6. Last evaluated: 2018-01-13. Review status: criteria provided, single submitter. Criteria: ICSL Variant Classification Criteria 13 December 2019. Collection method: clinical testing. Allele origin: germline.
Comment: This variant was observed in the ICSL laboratory as part of a predisposition screen in an ostensibly healthy population. It had not been previously curated by ICSL or reported in the Human Gene Mutation Database (HGMD: prior to June 1st, 2018), and was therefore a candidate for classification through an automated scoring system. Utilizing variant allele frequency, disease prevalence and penetrance estimates, and inheritance mode, an automated score was calculated to assess if this variant is too frequent to cause the disease. Based on the score and internal cut-off values, a variant classified as benign is not then subjected to further curation. The score for this variant resulted in a classification of benign for this disease.

GeneDx
Classification: Benign. Last evaluated: 2015-03-03. Review status: criteria provided, single submitter. Criteria: GeneDx Variant Classification Process June 2021. Collection method: clinical testing. Allele origin: germline. Affected: yes.

PreventionGenetics, part of Exact Sciences
Classification: Benign. Review status: criteria provided, single submitter. Criteria: ACMG Guidelines, 2015. Collection method: clinical testing. Allele origin: germline.

Diagnostic Laboratory, Department of Genetics, University Medical Center Groningen
Classification: Benign. Review status: no assertion criteria provided. Collection method: clinical testing. Allele origin: germline. Affected: yes. Study: VKGL Data-share Consensus. Not counted in ClinVar's aggregate classification.

Joint Genome Diagnostic Labs from Nijmegen and Maastricht, Radboudumc and MUMC+
Classification: Benign. Review status: no assertion criteria provided. Collection method: clinical testing. Allele origin: germline. Affected: yes. Study: VKGL Data-share Consensus. Not counted in ClinVar's aggregate classification.